The following is an entry in ClinVar:

NM_000170.3(GLDC):c.2086A>G (p.Met696Val)

Gene: GLDC (glycine decarboxylase; minus strand). Cytogenetic location: 9p24.1.
Variant type: single nucleotide variant.
Coding change: c.2086A>G on transcript NM_000170.3 (MANE Select); coding-DNA position 2086, A replaced by G.
Protein change: p.Met696Val; replaces methionine 696 with valine.
Molecular consequence: missense variant.
Genome position (GRCh38, 1-based): chr9:6,556,269, T>C on the plus strand (A>G on the coding strand, the complement: GLDC is on the minus strand). VCF-style: chr9-6556269-T-C. GRCh37 (hg19) VCF-style: chr9-6556269-T-C.
Other names: short protein forms M696V.
Identifiers: ClinVar variation 2116437 (VCV002116437.1), dbSNP rs371447782, ClinGen allele CA4980394.

ClinVar aggregate classification (germline): Uncertain significance (1 of 4 stars; one submission).

Conditions:
Glycine encephalopathy. Also called: Non-ketotic hyperglycinemia; Nonketotic hyperglycinemia. Identifiers: Orphanet 407, MedGen C0751748, MONDO:0011612, HP:0008288.

Allele frequency attached by ClinVar (database versions not stated): gnomAD exomes below 0.00001; ExAC 0.00001; TOPMed 0.00002; gnomAD 0.00003; ESP Exome Variant Server 0.00008.
gnomAD v4.1: 9 of 1,613,514 alleles (0.00056%); highest among the groups gnomAD compares: African/African-American, 0.004%; no homozygotes.

Submission:

Labcorp Genetics (formerly Invitae), Labcorp
Classification: Uncertain significance for Glycine encephalopathy. Last evaluated: 2022-06-02. Review status: criteria provided, single submitter. Criteria: Invitae Variant Classification Sherloc (09022015). Collection method: clinical testing. Allele origin: germline.
Comment: This sequence change replaces methionine, which is neutral and non-polar, with valine, which is neutral and non-polar, at codon 696 of the GLDC protein (p.Met696Val). This variant is present in population databases (rs371447782, gnomAD 0.008%). This variant has not been reported in the literature in individuals affected with GLDC-related conditions. Advanced modeling of protein sequence and biophysical properties (such as structural, functional, and spatial information, amino acid conservation, physicochemical variation, residue mobility, and thermodynamic stability) performed at Invitae indicates that this missense variant is expected to disrupt GLDC protein function. In summary, the available evidence is currently insufficient to determine the role of this variant in disease. Therefore, it has been classified as a Variant of Uncertain Significance.